The following is an entry in ClinVar:

NM_001256545.2(MEGF10):c.3312C>A (p.Asn1104Lys)

Gene: MEGF10 (multiple EGF like domains 10; plus strand). Cytogenetic location: 5q23.2.
Variant type: single nucleotide variant.
Coding change: c.3312C>A on transcript NM_001256545.2 (MANE Select); coding-DNA position 3312, C replaced by A.
Protein change: p.Asn1104Lys; replaces asparagine 1104 with lysine.
Molecular consequence: missense variant.
Genome position (GRCh38, 1-based): chr5:127,457,207, C>A. VCF-style: chr5-127457207-C-A. GRCh37 (hg19) VCF-style: chr5-126792899-C-A.
Other names: c.3312C>A, p.Asn1104Lys (NM_032446.3); short protein forms N1104K.
Identifiers: ClinVar variation 3632031 (VCV003632031.1).

ClinVar aggregate classification (germline): Uncertain significance (1 of 4 stars; one submission).

Conditions:
MEGF10-related myopathy (CMYO10A). Also called: Congenital myopathy 10A, severe variant. Identifiers: Orphanet 439212, MedGen C3280679, MONDO:0013731, OMIM 614399.

gnomAD v4.1: 21 of 1,614,122 alleles (0.0013%); highest among the groups gnomAD compares: South Asian, 0.021%; no homozygotes.

Submission:

Labcorp Genetics (formerly Invitae), Labcorp
Classification: Uncertain significance for MEGF10-related myopathy. Last evaluated: 2024-11-25. Review status: criteria provided, single submitter. Criteria: Invitae Variant Classification Sherloc (09022015). Collection method: clinical testing. Allele origin: germline.
Comment: This sequence change replaces asparagine, which is neutral and polar, with lysine, which is basic and polar, at codon 1104 of the MEGF10 protein (p.Asn1104Lys). This variant is present in population databases (rs566504230, gnomAD 0.02%). This variant has not been reported in the literature in individuals affected with MEGF10-related conditions. An algorithm developed to predict the effect of missense changes on protein structure and function (PolyPhen-2) suggests that this variant is likely to be disruptive. In summary, the available evidence is currently insufficient to determine the role of this variant in disease. Therefore, it has been classified as a Variant of Uncertain Significance.